The following is an entry in ClinVar:

NM_198859.4(PRICKLE2):c.2174A>G (p.Gln725Arg)

Genes: PRICKLE2 (prickle planar cell polarity protein 2; minus strand), PRICKLE2-AS1 (PRICKLE2 antisense RNA 1; plus strand). Cytogenetic location: 3p14.1.
Variant type: single nucleotide variant.
Coding change: c.2174A>G on transcript NM_198859.4 (MANE Select); coding-DNA position 2174, A replaced by G.
Protein change: p.Gln725Arg; replaces glutamine 725 with arginine.
Molecular consequence: missense variant. On other transcripts: non-coding transcript variant (1).
Genome position (GRCh38, 1-based): chr3:64,099,412, T>C on the plus strand (A>G on the coding strand, the complement: PRICKLE2 is on the minus strand). VCF-style: chr3-64099412-T-C. GRCh37 (hg19) VCF-style: chr3-64085088-T-C.
Other names: c.2174A>G, p.Gln725Arg (NM_001370528.1); short protein forms Q725R.
Identifiers: ClinVar variation 1473053 (VCV001473053.8), dbSNP rs1180228524, ClinGen allele CA353426625.
Genomic context (GRCh38, chr3:64,099,412, plus strand): 5'-TACAGGTCCCTCCGGGACCCATGCCCCATGCTCTCCTGGAAGCTCCGCTGGCGCATAAAT[T>C]GGTCATAGTCCTCCCTGGCTCTCAGAGGGGGCCTATCTTTTAACCGGGAGATGGCCTCGC-3'
Protein context (NP_942559.1, residues 715-735): PPLRAREDYD[Gln725Arg]FMRQRSFQES

ClinVar aggregate classification (germline): Uncertain significance (1 of 4 stars; one submission).

Conditions:
Progressive myoclonic epilepsy type 5. Identifiers: Orphanet 402082, MedGen C5190799.

Allele frequency attached by ClinVar (database versions not stated): gnomAD exomes below 0.00001; TOPMed below 0.00001; gnomAD 0.00001.
gnomAD v4.1: 4 of 1,597,828 alleles (0.00025%); highest among the groups gnomAD compares: Non-Finnish European, 0.00034%; no homozygotes.

Submission:

Labcorp Genetics (formerly Invitae), Labcorp
Classification: Uncertain significance for Progressive myoclonic epilepsy type 5. Last evaluated: 2022-01-13. Review status: criteria provided, single submitter. Criteria: Invitae Variant Classification Sherloc (09022015). Collection method: clinical testing. Allele origin: germline.
Comment: In summary, the available evidence is currently insufficient to determine the role of this variant in disease. Therefore, it has been classified as a Variant of Uncertain Significance. Algorithms developed to predict the effect of missense changes on protein structure and function (SIFT, PolyPhen-2, Align-GVGD) all suggest that this variant is likely to be tolerated. This variant has not been reported in the literature in individuals affected with PRICKLE2-related conditions. This variant is not present in population databases (gnomAD no frequency). This sequence change replaces glutamine, which is neutral and polar, with arginine, which is basic and polar, at codon 725 of the PRICKLE2 protein (p.Gln725Arg).